The following is an entry in ClinVar:

NM_014391.3(ANKRD1):c.22G>A (p.Glu8Lys)

Gene: ANKRD1 (ankyrin repeat domain 1; minus strand). Cytogenetic location: 10q23.31.
Variant type: single nucleotide variant.
Coding change: c.22G>A on transcript NM_014391.3 (MANE Select); coding-DNA position 22, G replaced by A.
Protein change: p.Glu8Lys; replaces glutamic acid 8 with lysine.
Molecular consequence: missense variant.
Genome position (GRCh38, 1-based): chr10:90,921,006, C>T on the plus strand (G>A on the coding strand, the complement: ANKRD1 is on the minus strand). VCF-style: chr10-90921006-C-T. GRCh37 (hg19) VCF-style: chr10-92680763-C-T.
Other names: short protein forms E8K.
Identifiers: ClinVar variation 1789262 (VCV001789262.2), dbSNP rs1847431695, ClinGen allele CA377554354.

ClinVar aggregate classification (germline): Uncertain significance (1 of 4 stars; one submission).

Conditions:
Cardiovascular phenotype. Identifiers: MedGen CN230736.

Allele frequency attached by ClinVar (database versions not stated): gnomAD exomes 0.00001.

Submission:

Ambry Genetics
Classification: Uncertain significance for Cardiovascular phenotype. Last evaluated: 2022-03-04. Review status: criteria provided, single submitter. Criteria: Ambry Variant Classification Scheme 2023. Collection method: clinical testing. Allele origin: germline.
Comment: The p.E8K variant (also known as c.22G>A), located in coding exon 1 of the ANKRD1 gene, results from a G to A substitution at nucleotide position 22. The glutamic acid at codon 8 is replaced by lysine, an amino acid with similar properties. This amino acid position is conserved. In addition, this alteration is predicted to be tolerated by in silico analysis. Since supporting evidence is limited at this time, the clinical significance of this alteration remains unclear.